The following is an entry in ClinVar:

NM_001845.6(COL4A1):c.608G>T (p.Gly203Val)

Gene: COL4A1 (collagen type IV alpha 1 chain; minus strand). Cytogenetic location: 13q34.
Variant type: single nucleotide variant.
Coding change: c.608G>T on transcript NM_001845.6 (MANE Select); coding-DNA position 608, G replaced by T.
Protein change: p.Gly203Val; replaces glycine 203 with valine.
Molecular consequence: missense variant.
Genome position (GRCh38, 1-based): chr13:110,209,987, C>A on the plus strand (G>T on the coding strand, the complement: COL4A1 is on the minus strand). VCF-style: chr13-110209987-C-A. GRCh37 (hg19) VCF-style: chr13-110862334-C-A.
Other names: c.608G>T, p.Gly203Val (NM_001303110.2); short protein forms G203V.
Identifiers: ClinVar variation 4880207 (VCV004880207.1).
Genomic context (GRCh38, chr13:110,209,987, plus strand): 5'-AATATAGTTGTTTTTTAAATGATTGCCTCGGAGAGACAGCCCCCAAAACTTACTGGTGGT[C>A]CGGTAAATCCTGGAGGCCCAACAGGACCTTGAAGCCCTGGCAGTCCTGGTGGGCCCTAGA-3'
Protein context (NP_001836.3, residues 193-213): QGPVGPPGFT[Gly203Val]PPGPPGPPGP

ClinVar aggregate classification (germline): Pathogenic (1 of 4 stars; one submission).

Conditions:
Brain small vessel disease 1 with or without ocular anomalies (BSVD1). Also called: PORENCEPHALY, TYPE 1, AUTOSOMAL DOMINANT; BRAIN SMALL VESSEL DISEASE WITH HEMORRHAGE; GOULD SYNDROME 1; Brain small vessel disease with or without ocular anomalies. Identifiers: Orphanet 2940, Orphanet 36383, Orphanet 99810, MedGen C4755307, MONDO:0008289, OMIM 175780.

gnomAD v4.1: 1 of 1,614,108 alleles (0.000062%); highest among the groups gnomAD compares: South Asian, 0.0011%; no homozygotes.

Submission:

Wales Gene Park, Division Of Cancer and Genetics, Cardiff University
Classification: Pathogenic for Brain small vessel disease 1 with or without ocular anomalies. Last evaluated: 2026-04-28. Review status: criteria provided, single submitter. Criteria: ACGS Best Practice Guidelines for Variant Classification in Rare Disease 2024. Collection method: research. Allele origin: de novo. Inheritance: Autosomal dominant inheritance. Affected: yes. Study: 100,000 Genomes Project (Wales).
Comment: De novo COL4A1 missense variant detected by trio genome sequencing. One allele in gnomAD (v4.1.1). REVEL score 0.982. Constrained gene (gnomAD missense Z score 5.18). Variant located at a conserved glycine in the collagen triple helix. Evidence codes: PM2, PP3, PP2, PS2_moderate, PM1_strong.